The following is an entry in ClinVar:

NM_198578.4(LRRK2):c.3433T>C (p.Ser1145Pro)

Gene: LRRK2 (leucine rich repeat kinase 2; plus strand). Cytogenetic location: 12q12.
Variant type: single nucleotide variant.
Coding change: c.3433T>C on transcript NM_198578.4 (MANE Select); coding-DNA position 3433, T replaced by C.
Protein change: p.Ser1145Pro; replaces serine 1145 with proline.
Molecular consequence: missense variant.
Genome position (GRCh38, 1-based): chr12:40,299,194, T>C. VCF-style: chr12-40299194-T-C. GRCh37 (hg19) VCF-style: chr12-40692996-T-C.
Other names: short protein forms S1145P.
Identifiers: ClinVar variation 1731402 (VCV001731402.3), dbSNP rs1282112922, ClinGen allele CA384415782.

ClinVar aggregate classification (germline): Uncertain significance (1 of 4 stars; one submission).

Conditions:
Inborn genetic diseases. Identifiers: MedGen C0950123, MeSH D030342.

Submission:

Ambry Genetics
Classification: Uncertain significance for Inborn genetic diseases. Last evaluated: 2024-07-11. Review status: criteria provided, single submitter. Criteria: Ambry Variant Classification Scheme 2023. Collection method: clinical testing. Allele origin: germline.
Comment: The p.S1145P variant (also known as c.3433T>C), located in coding exon 25 of the LRRK2 gene, results from a T to C substitution at nucleotide position 3433. The serine at codon 1145 is replaced by proline, an amino acid with similar properties. This amino acid position is conserved. In addition, this alteration is predicted to be tolerated by in silico analysis. Since supporting evidence is limited at this time, the clinical significance of this alteration remains unclear.